The following is an entry in ClinVar:

NM_001868.4(CPA1):c.740T>C (p.Leu247Pro)

Gene: CPA1 (carboxypeptidase A1; plus strand). Cytogenetic location: 7q32.2.
Variant type: single nucleotide variant.
Coding change: c.740T>C on transcript NM_001868.4 (MANE Select); coding-DNA position 740, T replaced by C.
Protein change: p.Leu247Pro; replaces leucine 247 with proline.
Molecular consequence: missense variant.
Genome position (GRCh38, 1-based): chr7:130,384,579, T>C. VCF-style: chr7-130384579-T-C. GRCh37 (hg19) VCF-style: chr7-130024420-T-C.
Other names: short protein forms L247P.
Identifiers: ClinVar variation 1758785 (VCV001758785.2), dbSNP rs2536010946, ClinGen allele CA369282969.

ClinVar aggregate classification (germline): Uncertain significance (1 of 4 stars; one submission).

Conditions:
Hereditary pancreatitis (PCTT). Also called: Hereditary chronic pancreatitis; PRSS1-Related Hereditary Pancreatitis. Identifiers: Orphanet 676, MedGen C0238339, MONDO:0008185, OMIM 167800.

Submission:

Ambry Genetics
Classification: Uncertain significance for Hereditary pancreatitis. Last evaluated: 2022-06-15. Review status: criteria provided, single submitter. Criteria: Ambry Variant Classification Scheme 2023. Collection method: clinical testing. Allele origin: germline.
Comment: The p.L247P variant (also known as c.740T>C), located in coding exon 7 of the CPA1 gene, results from a T to C substitution at nucleotide position 740. The leucine at codon 247 is replaced by proline, an amino acid with similar properties. This amino acid position is conserved. In addition, this alteration is predicted to be tolerated by in silico analysis. Since supporting evidence is limited at this time, the clinical significance of this alteration remains unclear.